The following is an entry in ClinVar:

NM_000535.7(PMS2):c.446A>C (p.Tyr149Ser)

Gene: PMS2 (PMS1 homolog 2, mismatch repair system component; minus strand). Cytogenetic location: 7p22.1.
Variant type: single nucleotide variant.
Coding change: c.446A>C on transcript NM_000535.7 (MANE Select); coding-DNA position 446, A replaced by C.
Protein change: p.Tyr149Ser; replaces tyrosine 149 with serine.
Molecular consequence: missense variant. On other transcripts: 5 prime UTR variant (2), non-coding transcript variant (1).
Genome position (GRCh38, 1-based): chr7:6,002,544, T>G on the plus strand (A>C on the coding strand, the complement: PMS2 is on the minus strand). VCF-style: chr7-6002544-T-G. GRCh37 (hg19) VCF-style: chr7-6042175-T-G.
Other names: c.41A>C, p.Tyr14Ser (NM_001322003.2, NM_001322004.2, NM_001322005.2 and 3 more transcripts); c.446A>C, p.Tyr149Ser (NM_001322006.2, NM_001322014.2); c.128A>C, p.Tyr43Ser (NM_001322007.2, NM_001322008.2); c.-439A>C (NM_001322011.2, NM_001322012.2); c.137A>C, p.Tyr46Ser (NM_001322015.2); short protein forms Y149S, Y14S, Y46S, Y43S.
Identifiers: ClinVar variation 455721 (VCV000455721.18), dbSNP rs1554304003, ClinGen allele CA366744332.

ClinVar aggregate classification (germline): Uncertain significance. Review status: criteria provided, multiple submitters, no conflicts (2 of 4 stars). 3 submissions from 3 submitters: Uncertain significance (3). Last evaluated 2025-05-25.

Conditions:
Hereditary nonpolyposis colorectal neoplasms. Identifiers: MedGen C0009405, MeSH D003123.
Hereditary cancer-predisposing syndrome. Also called: Hereditary Cancer Syndrome; Hereditary neoplastic syndrome; Neoplastic Syndromes, Hereditary; Tumor predisposition. Identifiers: Orphanet 140162, MedGen C0027672, MeSH D009386, MONDO:0015356.
Lynch syndrome 4 (LYNCH4). Also called: Colorectal cancer, hereditary nonpolyposis, type 4; Hereditary non-polyposis colorectal cancer, type 4. Identifiers: Orphanet 144, MedGen C1838333, MONDO:0013699, OMIM 614337. Disease mechanism: loss of function.

Allele frequency attached by ClinVar (database versions not stated): gnomAD exomes below 0.00001.

Submissions (3):

Ambry Genetics
Classification: Uncertain significance for Hereditary cancer-predisposing syndrome. Last evaluated: 2025-05-25. Review status: criteria provided, single submitter. Criteria: Ambry Variant Classification Scheme 2023. Collection method: clinical testing. Allele origin: germline.
Comment: The p.Y149S variant (also known as c.446A>C), located in coding exon 5 of the PMS2 gene, results from an A to C substitution at nucleotide position 446. The tyrosine at codon 149 is replaced by serine, an amino acid with dissimilar properties. This amino acid position is poorly conserved in available vertebrate species. In addition, this alteration is predicted to be tolerated by in silico analysis. Based on the available evidence, the clinical significance of this variant remains unclear.

Labcorp Genetics (formerly Invitae), Labcorp
Classification: Uncertain significance for Hereditary nonpolyposis colorectal neoplasms. Last evaluated: 2025-03-31. Review status: criteria provided, single submitter. Criteria: Invitae Variant Classification Sherloc (09022015). Collection method: clinical testing. Allele origin: germline.
Comment: This sequence change replaces tyrosine, which is neutral and polar, with serine, which is neutral and polar, at codon 149 of the PMS2 protein (p.Tyr149Ser). The frequency data for this variant in the population databases is considered unreliable, as metrics indicate poor data quality at this position in the gnomAD database. This variant has not been reported in the literature in individuals affected with PMS2-related conditions. ClinVar contains an entry for this variant (Variation ID: 455721). Invitae Evidence Modeling incorporating data from in vitro experimental studies (internal data) indicates that this missense variant is not expected to disrupt PMS2 function with a negative predictive value of 95%. In summary, the available evidence is currently insufficient to determine the role of this variant in disease. Therefore, it has been classified as a Variant of Uncertain Significance.

Mendelics
Classification: Uncertain significance for Lynch syndrome 4. Last evaluated: 2019-05-28. Review status: criteria provided, single submitter. Criteria: Mendelics Assertion Criteria 2017. Collection method: clinical testing. Allele origin: unknown.